The following continues an entry in ClinVar:

NM_012452.3(TNFRSF13B):c.260T>A (p.Ile87Asn)

Gene: TNFRSF13B. ClinVar aggregate classification (germline): Conflicting classifications of pathogenicity. Pathogenic (4); Likely pathogenic (8); Uncertain significance (3).

Submissions 9 to 16 of 16:

Victorian Clinical Genetics Services, Murdoch Childrens Research Institute
Classification: Uncertain significance for Immunodeficiency, common variable, 2. Last evaluated: 2024-10-10. Review status: criteria provided, single submitter. Criteria: ACMG Guidelines, 2015. Collection method: clinical testing. Allele origin: germline. Affected: yes.
Comment: Based on the classification scheme VCGS_Germline_v1.3.4, this variant is classified as VUS-3B. Following criteria are met: 0102 - Loss of function is a known mechanism of disease in this gene and is associated with common variable immunodeficiency 2 (MIM#240500) and immunoglobulin A deficiency 2 (MIM#609529). (I) 0108 - This gene is associated with both recessive and dominant disease (OMIM). (I) 0112 - The condition associated with this gene has incomplete penetrance. Asymptomatic individuals with monoallelic or biallelic variants have been reported (PMIDs: 34210994, 34441032). (I) 0115 - Variants in this gene are known to have variable expressivity (PMID: 34210994). (I) 0200 - Variant is predicted to result in a missense amino acid change from isoleucine to asparagine. (I) 0251 - This variant is heterozygous. (I) 0304 - Variant is present in gnomAD (v4) <0.01 (771 heterozygotes, 0 homozygotes). (SP) 0309 - An alternative amino acid change at the same position has been observed in gnomAD (v4) (2 heterozygotes, 0 homozygotes). (I) 0501 - Missense variant consistently predicted to be damaging by multiple in silico tools or highly conserved with a major amino acid change. (SP) 0600 - Variant is located in the annotated TACI, cysteine-rich domain (DECIPHER). (I) 0705 - No comparable missense variants have previous evidence for pathogenicity. (I) 0808 - Previous reports of pathogenicity for this variant are conflicting. This variant has been reported three times as pathogenic, three times as likely pathogenic and twice as a VUS (ClinVar). It has also been reported in multiple individuals with common variable immunodeficiency in the literature in both the heterozygous and compound heterozygous state, however has also been reported in many unaffected heterozygous individuals (PMIDs: 22884984, 18981294, 22627058, 37678716, 27123465, 34441032, 33838017). (I) 0906 - Segregation evidence for this variant is inconclusive. There are conflicting reports of individuals inheriting this variant from an affected parent (PMID: 18981294) as well as from unaffected parents (PMID: 37678716). (I) 1002 - This variant has moderate functional evidence supporting abnormal protein function. Cells expressing this variant demonstrated partially reduced ligand binding and impaired NFAT signalling when compared to wildtype cells (PMIDs: 21419480, 22627058). (SP) 1208 - Inheritance information for this variant is not currently available in this individual. (I) Legend: (SP) - Supporting pathogenic, (I) - Information, (SB) - Supporting benign

Institute of Human Genetics, University of Leipzig Medical Center
Classification: Likely pathogenic for Immunodeficiency, common variable, 2. Last evaluated: 2024-07-18. Review status: criteria provided, single submitter. Criteria: ACMG Guidelines, 2015. Collection method: clinical testing. Allele origin: unknown. Inheritance: Autosomal dominant inheritance. Affected: yes.
Comment: Criteria applied: PS4,PS3_MOD

Fulgent Genetics
Classification: Likely pathogenic for Immunodeficiency, common variable, 2; Immunoglobulin A deficiency 2. Last evaluated: 2024-05-14. Review status: criteria provided, single submitter. Criteria: ACMG Guidelines, 2015. Collection method: clinical testing. Allele origin: germline.

3billion
Classification: Likely pathogenic for Immunodeficiency, common variable, 2. Last evaluated: 2023-07-19. Review status: criteria provided, single submitter. Criteria: ACMG Guidelines, 2015. Collection method: clinical testing. Allele origin: germline. Affected: yes.
Comment: The variant is observed at an extremely low frequency in the gnomAD v2.1.1 dataset (total allele frequency: 0.043%). Predicted Consequence/Location: Protein truncation variants are a common disease-causing mechanism. In silico tool predictions suggest damaging effect of the variant on gene or gene product (REVEL: 0.62; 3Cnet: 0.87). Same nucleotide change resulting in same amino acid change has been previously reported as pathogenic/likely pathogenic with strong evidence (ClinVar ID: VCV000618436 /PMID: 18981294). Therefore, this variant is classified as Likely pathogenic according to the recommendation of ACMG/AMP guideline.

Department of Pathology and Laboratory Medicine, Sinai Health System
Classification: Likely pathogenic for Immunodeficiency, common variable, 2. Last evaluated: 2023-02-13. Review status: criteria provided, single submitter. Criteria: ACMG Guidelines, 2015. Collection method: research. Allele origin: germline.

ARUP Laboratories, Molecular Genetics and Genomics, ARUP Laboratories
Classification: Likely pathogenic. Last evaluated: 2017-10-31. Review status: criteria provided, single submitter. Criteria: ARUP Molecular Germline Variant Investigation Process. Collection method: clinical testing. Allele origin: germline.
Comment: The p.Ile87Asn variant (rs72553877) has been reported in the heterozygous and compound heterozygous state in multiple families and individuals diagnosed with common variable immunodeficiency (CVID), asthma, or lymphoproliferative disorders (Freiberger 2012, Janzi 2012, Lougaris 2012, Salzer 2009, and Speletas 2013). Functional evidence demonstrates that the p.Ile87Asn variant causes a defect in ligand binding as well as reduced activation of NFkB signaling (Fried 2011, Lougaris 2012, and Salzer 2009). The p.Ile87Asn variant is also listed in the Genome Aggregation Database (gnomAD) browser with an allele frequency of 0.068% in the non-Finnish European population (identified in 86 out of 126,692 chromosomes), but was not detected in the homozygous state. The isoleucine at codon 87 is moderately conserved considering 10 species (Alamut software v2.10.0), and computational analyses predict that this variant does affect the structure/function of the TNFRSF13B protein (SIFT: damaging, PolyPhen2: probably damaging, MutationTaster: disease causing). Therefore, based on the available evidence, the p.Ile87Asn variant is classified as likely pathogenic.

Baylor Genetics
Classification: Likely pathogenic for Immunodeficiency, common variable, 2. Review status: criteria provided, single submitter. Criteria: ACMG Guidelines, 2015. Collection method: clinical testing. Allele origin: unknown.

Clinic of Clinical Immunology with Stem Cell Bank, Expert Centre for Rare Diseases - PID, University Hospital "Alexandrovska"
Classification: Pathogenic for Immunodeficiency, common variable, 2. Review status: no assertion criteria provided. Collection method: clinical testing. Allele origin: germline. Not counted in ClinVar's aggregate classification.

Literature cited by the submitters: PubMed 22627058 (cited by 5 submitters); PubMed 22697072 (cited by 3 submitters); PubMed 22884984 (cited by 3 submitters); PubMed 27123465 (cited by 4 submitters); PubMed 30290665 (cited by Labcorp Genetics (formerly Invitae), Labcorp and Dasa); PubMed 31681265 (cited by Labcorp Genetics (formerly Invitae), Labcorp and Dasa); PubMed 21419480 (cited by 5 submitters); PubMed 21458042 (cited by 3 submitters); PubMed 18981294 (cited by 5 submitters); PubMed 17697196 (cited by Women's Health and Genetics/Laboratory Corporation of America, LabCorp); PubMed 21850030 (cited by Women's Health and Genetics/Laboratory Corporation of America, LabCorp); PubMed 18200502 (cited by Women's Health and Genetics/Laboratory Corporation of America, LabCorp); PubMed 34975878 (cited by Women's Health and Genetics/Laboratory Corporation of America, LabCorp); PubMed 35686370 (cited by Women's Health and Genetics/Laboratory Corporation of America, LabCorp); PubMed 37678716 (cited by Women's Health and Genetics/Laboratory Corporation of America, LabCorp and Victorian Clinical Genetics Services, Murdoch Childrens Research Institute); PubMed 37652172 (cited by Women's Health and Genetics/Laboratory Corporation of America, LabCorp); PubMed 33838017 (cited by Victorian Clinical Genetics Services, Murdoch Childrens Research Institute); PubMed 34210994 (cited by Victorian Clinical Genetics Services, Murdoch Childrens Research Institute); PubMed 34441032 (cited by Victorian Clinical Genetics Services, Murdoch Childrens Research Institute).